The following is an entry in ClinVar:

NM_002294.3(LAMP2):c.129T>A (p.Tyr43Ter)

Gene: LAMP2 (lysosome associated membrane protein 2; minus strand). Cytogenetic location: Xq24.
Variant type: single nucleotide variant.
Coding change: c.129T>A on transcript NM_002294.3 (MANE Select); coding-DNA position 129, T replaced by A.
Protein change: p.Tyr43Ter; replaces tyrosine 43 with a stop codon.
Molecular consequence: nonsense.
Genome position (GRCh38, 1-based): chrX:120,456,705, A>T on the plus strand (T>A on the coding strand, the complement: LAMP2 is on the minus strand). VCF-style: chrX-120456705-A-T. GRCh37 (hg19) VCF-style: chrX-119590560-A-T.
Other names: c.129T>A, p.Tyr43Ter (NM_013995.2, NM_001122606.1); short protein forms Y43*.
Identifiers: ClinVar variation 2057089 (VCV002057089.4), dbSNP rs2520913146, ClinGen allele CA414403677.

ClinVar aggregate classification (germline): Pathogenic (1 of 4 stars; one submission).

Conditions:
Danon disease. Also called: GSD IIb; LYSOSOMAL GLYCOGEN STORAGE DISEASE WITHOUT ACID MALTASE DEFICIENCY; Glycogen Storage Disease Type IIb; PSEUDOGLYCOGENOSIS II; ANTOPOL DISEASE. Identifiers: Orphanet 34587, MedGen C0878677, MONDO:0010281, OMIM 300257.

Submission:

Labcorp Genetics (formerly Invitae), Labcorp
Classification: Pathogenic for Danon disease. Last evaluated: 2021-12-24. Review status: criteria provided, single submitter. Criteria: Invitae Variant Classification Sherloc (09022015). Collection method: clinical testing. Allele origin: germline.
Comment: For these reasons, this variant has been classified as Pathogenic. Algorithms developed to predict the effect of sequence changes on RNA splicing suggest that this variant may create or strengthen a splice site. This variant has not been reported in the literature in individuals affected with LAMP2-related conditions. This variant is not present in population databases (gnomAD no frequency). This sequence change creates a premature translational stop signal (p.Tyr43*) in the LAMP2 gene. It is expected to result in an absent or disrupted protein product. Loss-of-function variants in LAMP2 are known to be pathogenic (PMID: 21415759).

Literature cited by the submitters: PubMed 21415759.